The following is an entry in ClinVar:

NM_001023570.4(IQCB1):c.413T>G (p.Leu138Ter)

Gene: IQCB1 (IQ motif containing B1; minus strand). Cytogenetic location: 3q13.33.
Variant type: single nucleotide variant.
Coding change: c.413T>G on transcript NM_001023570.4 (MANE Select); coding-DNA position 413, T replaced by G.
Protein change: p.Leu138Ter; replaces leucine 138 with a stop codon.
Molecular consequence: nonsense. On other transcripts: non-coding transcript variant (1).
Genome position (GRCh38, 1-based): chr3:121,808,990, A>C on the plus strand (T>G on the coding strand, the complement: IQCB1 is on the minus strand). VCF-style: chr3-121808990-A-C. GRCh37 (hg19) VCF-style: chr3-121527837-A-C.
Other names: c.413T>G, p.Leu138Ter (NM_001023571.4, NM_001319107.2); short protein forms L138*.
Identifiers: ClinVar variation 1065742 (VCV001065742.1), dbSNP rs2108595322, ClinGen allele CA354106387.

ClinVar aggregate classification (germline): Likely pathogenic (1 of 4 stars; one submission).

Conditions:
Senior-Loken syndrome 5 (SLSN5). Identifiers: Orphanet 3156, MedGen C1836517, MONDO:0012225, OMIM 609254.

Submission:

Ocular Genomics Institute, Massachusetts Eye and Ear
Classification: Likely pathogenic for Senior-Loken syndrome 5. Last evaluated: 2021-04-08. Review status: criteria provided, single submitter. Criteria: ACMG Guidelines, 2015. Collection method: research. Allele origin: germline. Affected: yes.
Comment: Through a review of available evidence we were able to apply the following criteria: PVS1, PM2. Based on this evidence we have classified this variant as Likely Pathogenic.